The following is an entry in ClinVar:

ClinVar aggregate classification (germline): Likely benign (1 of 4 stars; one submission).

gnomAD v4.1: 50 of 1,614,000 alleles (0.0031%); highest among the groups gnomAD compares: South Asian, 0.035%; no homozygotes.

Submission:

CeGaT Center for Human Genetics Tuebingen
Classification: Likely benign. Last evaluated: 2026-07-01. Review status: criteria provided, single submitter. Criteria: CeGaT Center For Human Genetics Tuebingen Variant Classification Criteria Version 2. Collection method: clinical testing. Allele origin: germline. Affected: yes. Observed: 1 variant allele.
Comment: MAPKAPK5: BP4, BP7

NM_003668.4(MAPKAPK5):c.885C>T (p.Ile295=)

Gene: MAPKAPK5 (MAPK activated protein kinase 5; plus strand). Cytogenetic location: 12q24.12.
Variant type: single nucleotide variant.
Coding change: c.885C>T on transcript NM_003668.4 (MANE Select); coding-DNA position 885, C replaced by T.
Protein change: p.Ile295=; no amino-acid change (isoleucine 295 retained).
Molecular consequence: synonymous variant.
Genome position (GRCh38, 1-based): chr12:111,885,952, C>T. VCF-style: chr12-111885952-C-T. GRCh37 (hg19) VCF-style: chr12-112323756-C-T.
Other names: c.885C>T, p.Ile295= (NM_001371479.1, NM_001371480.1, NM_139078.3); c.804C>T, p.Ile268= (NM_001371481.1); c.795C>T, p.Ile265= (NM_001371482.1, NM_001371483.1); c.783C>T, p.Ile261= (NM_001371484.1); c.678C>T, p.Ile226= (NM_001371485.1, NM_001371486.1); c.588C>T, p.Ile196= (NM_001371487.1).
Identifiers: ClinVar variation 5039345 (VCV005039345.1).